The following is an entry in ClinVar:

ClinVar aggregate classification (germline): Uncertain significance (1 of 4 stars; one submission).

Conditions:
Oculodentodigital dysplasia, autosomal recessive. Also called: OCULODENTOOSSEOUS DYSPLASIA, AUTOSOMAL RECESSIVE; ODDD, AUTOSOMAL RECESSIVE; ODOD, AUTOSOMAL RECESSIVE. Identifiers: Orphanet 2710, MedGen C2749477, MONDO:0009768, OMIM 257850.

Submission:

Labcorp Genetics (formerly Invitae), Labcorp
Classification: Uncertain significance for Oculodentodigital dysplasia, autosomal recessive. Last evaluated: 2024-10-09. Review status: criteria provided, single submitter. Criteria: Invitae Variant Classification Sherloc (09022015). Collection method: clinical testing. Allele origin: germline.
Comment: This sequence change replaces proline, which is neutral and non-polar, with serine, which is neutral and polar, at codon 280 of the GJA1 protein (p.Pro280Ser). This variant is not present in population databases (gnomAD no frequency). This variant has not been reported in the literature in individuals affected with GJA1-related conditions. Invitae Evidence Modeling of protein sequence and biophysical properties (such as structural, functional, and spatial information, amino acid conservation, physicochemical variation, residue mobility, and thermodynamic stability) has been performed for this missense variant. However, the output from this modeling did not meet the statistical confidence thresholds required to predict the impact of this variant on GJA1 protein function. In summary, the available evidence is currently insufficient to determine the role of this variant in disease. Therefore, it has been classified as a Variant of Uncertain Significance.

NM_000165.5(GJA1):c.838C>T (p.Pro280Ser)

Gene: GJA1 (gap junction protein alpha 1; plus strand). Cytogenetic location: 6q22.31.
Variant type: single nucleotide variant.
Coding change: c.838C>T on transcript NM_000165.5 (MANE Select); coding-DNA position 838, C replaced by T.
Protein change: p.Pro280Ser; replaces proline 280 with serine.
Molecular consequence: missense variant.
Genome position (GRCh38, 1-based): chr6:121,447,685, C>T. VCF-style: chr6-121447685-C-T. GRCh37 (hg19) VCF-style: chr6-121768831-C-T.
Other names: short protein forms P280S.
Identifiers: ClinVar variation 3710301 (VCV003710301.2).